The following is an entry in ClinVar:

ClinVar aggregate classification (germline): Uncertain significance. Review status: criteria provided, multiple submitters, no conflicts (2 of 4 stars). 2 submissions from 2 submitters: Uncertain significance (2). Last evaluated 2025-01-06.

Conditions:
Fanconi anemia (FA). Also called: Fanconi's anemia. Identifiers: Orphanet 84, MedGen C0015625, MeSH D005199, MONDO:0019391.
Inborn genetic diseases. Identifiers: MedGen C0950123, MeSH D030342.

gnomAD v4.1: 1 of 1,439,866 alleles (0.000069%); highest among the groups gnomAD compares: Non-Finnish European, 0.000098%; no homozygotes.

Submissions (2):

Ambry Genetics
Classification: Uncertain significance for Inborn genetic diseases. Last evaluated: 2025-01-06. Review status: criteria provided, single submitter. Criteria: Ambry Variant Classification Scheme 2023. Collection method: clinical testing. Allele origin: germline.
Comment: The p.N465K variant (also known as c.1395T>G), located in coding exon 8 of the FANCM gene, results from a T to G substitution at nucleotide position 1395. The asparagine at codon 465 is replaced by lysine, an amino acid with similar properties. This amino acid position is conserved. In addition, this alteration is predicted to be tolerated by in silico analysis. Based on the available evidence, the clinical significance of this variant remains unclear.

Labcorp Genetics (formerly Invitae), Labcorp
Classification: Uncertain significance for Fanconi anemia. Last evaluated: 2018-10-29. Review status: criteria provided, single submitter. Criteria: Invitae Variant Classification Sherloc (09022015). Collection method: clinical testing. Allele origin: germline.
Comment: This variant is not present in population databases (ExAC no frequency). In summary, the available evidence is currently insufficient to determine the role of this variant in disease. Therefore, it has been classified as a Variant of Uncertain Significance. Algorithms developed to predict the effect of missense changes on protein structure and function output the following: SIFT: "Tolerated"; PolyPhen-2: "Benign"; Align-GVGD: "Class C0". The lysine amino acid residue is found in multiple mammalian species, suggesting that this missense change does not adversely affect protein function. These predictions have not been confirmed by published functional studies and their clinical significance is uncertain. This variant has not been reported in the literature in individuals with FANCM-related disease. This sequence change replaces asparagine with lysine at codon 465 of the FANCM protein (p.Asn465Lys). The asparagine residue is weakly conserved and there is a moderate physicochemical difference between asparagine and lysine.

NM_020937.4(FANCM):c.1395T>G (p.Asn465Lys)

Gene: FANCM (FA complementation group M; plus strand). Cytogenetic location: 14q21.2.
Variant type: single nucleotide variant.
Coding change: c.1395T>G on transcript NM_020937.4 (MANE Select); coding-DNA position 1395, T replaced by G.
Protein change: p.Asn465Lys; replaces asparagine 465 with lysine.
Molecular consequence: missense variant.
Genome position (GRCh38, 1-based): chr14:45,155,458, T>G. VCF-style: chr14-45155458-T-G. GRCh37 (hg19) VCF-style: chr14-45624661-T-G.
Other names: c.1317T>G, p.Asn439Lys (NM_001308133.2); c.1395T>G, p.Asn465Lys (NM_001308134.2); short protein forms N439K, N465K.
Identifiers: ClinVar variation 642702 (VCV000642702.9), dbSNP rs1594773895, ClinGen allele CA389592341.